The following is an entry in ClinVar:

NM_201384.3(PLEC):c.292C>T (p.His98Tyr)

Gene: PLEC (plectin; minus strand). Cytogenetic location: 8q24.3.
Variant type: single nucleotide variant.
Coding change: c.292C>T on transcript NM_201384.3 (MANE Select); coding-DNA position 292, C replaced by T.
Protein change: p.His98Tyr; replaces histidine 98 with tyrosine.
Molecular consequence: missense variant.
Genome position (GRCh38, 1-based): chr8:143,937,215, G>A on the plus strand (C>T on the coding strand, the complement: PLEC is on the minus strand). VCF-style: chr8-143937215-G-A. GRCh37 (hg19) VCF-style: chr8-145011383-G-A.
Other names: c.373C>T, p.His125Tyr (NM_000445.5, NM_001410941.1); c.250C>T, p.His84Tyr (NM_201378.4); c.226C>T, p.His76Tyr (NM_201379.3); c.703C>T, p.His235Tyr (NM_201380.4); c.196C>T, p.His66Tyr (NM_201381.3); c.292C>T, p.His98Tyr (NM_201382.4); c.304C>T, p.His102Tyr (NM_201383.3); short protein forms H102Y, H125Y, H235Y, H66Y, H76Y, H84Y, H98Y.
Identifiers: ClinVar variation 3762562 (VCV003762562.2).

ClinVar aggregate classification (germline): Uncertain significance (1 of 4 stars; one submission).

Conditions:
Epidermolysis bullosa simplex with nail dystrophy (EBS5D). Identifiers: MedGen C4225309, MONDO:0014661, OMIM 616487.
Epidermolysis bullosa simplex, Ogna type (EBS5A). Also called: EPIDERMOLYSIS BULLOSA SIMPLEX 5A, OGNA TYPE; Pidermolysis bullosa simplex 5A, Ogna type. Identifiers: Orphanet 79401, MedGen C0432317, MONDO:0007555, OMIM 131950.
Autosomal recessive limb-girdle muscular dystrophy type 2Q (LGMDR17). Also called: MUSCULAR DYSTROPHY, LIMB-GIRDLE, AUTOSOMAL RECESSIVE 17. Identifiers: Orphanet 254361, MedGen C3150989, MONDO:0013390, OMIM 613723.
Epidermolysis bullosa simplex 5B, with muscular dystrophy (EBS5B). Also called: EPIDERMOLYSIS BULLOSA SIMPLEX AND LIMB-GIRDLE MUSCULAR DYSTROPHY; Epidermolysis bullosa simplex with muscular dystrophy. Identifiers: Orphanet 257, MedGen C2931072, MONDO:0009181, OMIM 226670.
Epidermolysis bullosa simplex 5C, with pyloric atresia (EBS5C). Also called: PLEC1-Related Epidermolysis Bullosa with Pyloric Atresia; PLEC-Related Epidermolysis Bullosa with Pyloric Atresia; Epidermolysis bullosa simplex with pyloric atresia. Identifiers: Orphanet 158684, MedGen C2677349, MONDO:0012807, OMIM 612138.

gnomAD v4.1: 3 of 1,612,762 alleles (0.00019%); highest among the groups gnomAD compares: Non-Finnish European, 0.00025%; no homozygotes.

Submission:

Labcorp Genetics (formerly Invitae), Labcorp
Classification: Uncertain significance for Autosomal recessive limb-girdle muscular dystrophy type 2Q; Epidermolysis bullosa simplex, Ogna type; Epidermolysis bullosa simplex with nail dystrophy; Epidermolysis bullosa simplex 5C, with pyloric atresia; Epidermolysis bullosa simplex 5B, with muscular dystrophy. Last evaluated: 2025-01-15. Review status: criteria provided, single submitter. Criteria: Invitae Variant Classification Sherloc (09022015). Collection method: clinical testing. Allele origin: germline.
Comment: This sequence change replaces histidine, which is basic and polar, with tyrosine, which is neutral and polar, at codon 125 of the PLEC protein (p.His125Tyr). This variant is not present in population databases (gnomAD no frequency). This variant has not been reported in the literature in individuals affected with PLEC-related conditions. Experimental studies and prediction algorithms are not available or were not evaluated, and the functional significance of this variant is currently unknown. In summary, the available evidence is currently insufficient to determine the role of this variant in disease. Therefore, it has been classified as a Variant of Uncertain Significance.